The following is an entry in ClinVar:

NM_015102.5(NPHP4):c.3226G>C (p.Val1076Leu)

Gene: NPHP4 (nephrocystin 4; minus strand). Cytogenetic location: 1p36.31.
Variant type: single nucleotide variant.
Coding change: c.3226G>C on transcript NM_015102.5 (MANE Select); coding-DNA position 3226, G replaced by C.
Protein change: p.Val1076Leu; replaces valine 1076 with leucine.
Molecular consequence: missense variant. On other transcripts: non-coding transcript variant (1).
Genome position (GRCh38, 1-based): chr1:5,874,476, C>G on the plus strand (G>C on the coding strand, the complement: NPHP4 is on the minus strand). VCF-style: chr1-5874476-C-G. GRCh37 (hg19) VCF-style: chr1-5934536-C-G.
Other names: c.1687G>C, p.Val563Leu (NM_001291593.2); c.1690G>C, p.Val564Leu (NM_001291594.2); short protein forms V1076L, V563L, V564L.
Identifiers: ClinVar variation 596108 (VCV000596108.8), dbSNP rs766365388, ClinGen allele CA553762.

ClinVar aggregate classification (germline): Uncertain significance. Review status: criteria provided, multiple submitters, no conflicts (2 of 4 stars). 2 submissions from 2 submitters: Uncertain significance (2). Last evaluated 2025-10-21.

Conditions:
Nephronophthisis. Also called: Juvenile Nephronophthisis. Identifiers: Orphanet 655, MedGen C0687120, MONDO:0019005, HP:0000090.

Allele frequency attached by ClinVar (database versions not stated): TOPMed 0.00001; gnomAD 0.00003; ExAC 0.00005; gnomAD exomes 0.00005.
gnomAD v4.1: 16 of 1,546,344 alleles (0.001%); highest among the groups gnomAD compares: Admixed American, 0.032%; no homozygotes.

Submissions (2):

Labcorp Genetics (formerly Invitae), Labcorp
Classification: Uncertain significance for Nephronophthisis. Last evaluated: 2025-10-21. Review status: criteria provided, single submitter. Criteria: Invitae Variant Classification Sherloc (09022015). Collection method: clinical testing. Allele origin: germline.
Comment: This sequence change replaces valine, which is neutral and non-polar, with leucine, which is neutral and non-polar, at codon 1076 of the NPHP4 protein (p.Val1076Leu). This variant is present in population databases (rs766365388, gnomAD 0.04%). This variant has not been reported in the literature in individuals affected with NPHP4-related conditions. ClinVar contains an entry for this variant (Variation ID: 596108). Invitae Evidence Modeling of protein sequence and biophysical properties (such as structural, functional, and spatial information, amino acid conservation, physicochemical variation, residue mobility, and thermodynamic stability) indicates that this missense variant is not expected to disrupt NPHP4 protein function with a negative predictive value of 80%. In summary, the available evidence is currently insufficient to determine the role of this variant in disease. Therefore, it has been classified as a Variant of Uncertain Significance.

Eurofins Ntd Llc (ga)
Classification: Uncertain significance. Last evaluated: 2018-02-10. Review status: criteria provided, single submitter. Criteria: EGL ClinVar v180209 classification definitions. Collection method: clinical testing. Allele origin: germline. Observed: 1 variant allele, 1 heterozygote.